The following is an entry in ClinVar:

NM_152564.5(VPS13B):c.11809A>G (p.Lys3937Glu)

Gene: VPS13B (vacuolar protein sorting 13 homolog B; plus strand). Cytogenetic location: 8q22.2.
Variant type: single nucleotide variant.
Coding change: c.11809A>G on transcript NM_152564.5 (MANE Select); coding-DNA position 11809, A replaced by G.
Protein change: p.Lys3937Glu; replaces lysine 3937 with glutamic acid.
Molecular consequence: missense variant.
Genome position (GRCh38, 1-based): chr8:99,875,481, A>G. VCF-style: chr8-99875481-A-G. GRCh37 (hg19) VCF-style: chr8-100887709-A-G.
Other names: c.11884A>G, p.Lys3962Glu (NM_017890.5); short protein forms K3937E, K3962E.
Identifiers: ClinVar variation 2989274 (VCV002989274.3), dbSNP rs755070874, ClinGen allele CA4825348.

ClinVar aggregate classification (germline): Uncertain significance (1 of 4 stars; one submission).

Conditions:
Cohen syndrome (COH1). Also called: PEPPER SYNDROME; Cutis verticis gyrata, retinitis pigmentosa, and sensorineural deafness. Identifiers: Orphanet 193, MedGen C0265223, MONDO:0008999, OMIM 216550.

Allele frequency attached by ClinVar (database versions not stated): ExAC 0.00001; gnomAD exomes 0.00001.
gnomAD v4.1: 10 of 1,614,208 alleles (0.00062%); highest among the groups gnomAD compares: Non-Finnish European, 0.00085%; no homozygotes.

Submission:

Labcorp Genetics (formerly Invitae), Labcorp
Classification: Uncertain significance for Cohen syndrome. Last evaluated: 2023-06-20. Review status: criteria provided, single submitter. Criteria: Invitae Variant Classification Sherloc (09022015). Collection method: clinical testing. Allele origin: germline.
Comment: Advanced modeling of protein sequence and biophysical properties (such as structural, functional, and spatial information, amino acid conservation, physicochemical variation, residue mobility, and thermodynamic stability) has been performed at Invitae for this missense variant, however the output from this modeling did not meet the statistical confidence thresholds required to predict the impact of this variant on VPS13B protein function. In summary, the available evidence is currently insufficient to determine the role of this variant in disease. Therefore, it has been classified as a Variant of Uncertain Significance. This variant has not been reported in the literature in individuals affected with VPS13B-related conditions. This variant is present in population databases (rs755070874, gnomAD 0.0009%). This sequence change replaces lysine, which is basic and polar, with glutamic acid, which is acidic and polar, at codon 3962 of the VPS13B protein (p.Lys3962Glu).